The following is an entry in ClinVar:

ClinVar aggregate classification (germline): Pathogenic (1 of 4 stars; one submission).

Conditions:
Nemaline myopathy 2 (NEM2). Also called: Nemaline myopathy 2, autosomal recessive. Identifiers: MedGen C1850569, MONDO:0009725, OMIM 256030.

Submission:

Myriad Genetics, Inc.
Classification: Pathogenic for Nemaline myopathy 2. Last evaluated: 2023-08-13. Review status: criteria provided, single submitter. Criteria: Myriad Autosomal Dominant, Autosomal Recessive and X-Linked Classification Criteria (2023). Collection method: clinical testing. Allele origin: unknown.
Comment: NM_001271208.1(NEB):c.3153_3154delGT(M1051Ifs*14) is expected to be pathogenic in the context of NEB-related nemaline myopathy. This variant is predicted to lead to an abnormal or absent protein product due to the creation of a premature termination codon in NEB, a gene where loss-of-function variants are known to be pathogenic. Please note: this variant was assessed in the context of healthy population screening.

NM_001164508.2(NEB):c.3153_3154del (p.Met1051fs)

Gene: NEB (nebulin; minus strand). Cytogenetic location: 2q23.3.
Variant type: Deletion.
Coding change: c.3153_3154del on transcript NM_001164508.2 (MANE Select); coding-DNA positions 3153 to 3154, 2 bases deleted (GT; older notation c.3153_3154delGT).
Protein change: p.Met1051fs; shifts the reading frame from methionine 1051.
Molecular consequence: frameshift variant.
Genome position (GRCh38, 1-based): chr2:151,679,822-151,679,823, AC deleted on the plus strand (GT on the coding strand, the reverse complement: NEB is on the minus strand); deleting any 2 consecutive bases within chr2:151,679,822-151,679,824 gives the same sequence; the c. name uses the placement nearest the transcript's 3' end. VCF-style (leftmost placement, unchanged base first): chr2-151679821-TAC-T. GRCh37 (hg19) VCF-style: chr2-152536335-TAC-T.
Other names: c.3153_3154del, p.Met1051fs (NM_001164507.2, NM_001271208.2, NM_004543.5); short protein forms M1051fs.
Identifiers: ClinVar variation 5011338 (VCV005011338.1).